The following is an entry in ClinVar:

NM_000318.3(PEX2):c.318T>A (p.Tyr106Ter)

Gene: PEX2 (peroxisomal biogenesis factor 2; minus strand). Cytogenetic location: 8q21.13.
Variant type: single nucleotide variant.
Coding change: c.318T>A on transcript NM_000318.3 (MANE Select); coding-DNA position 318, T replaced by A.
Protein change: p.Tyr106Ter; replaces tyrosine 106 with a stop codon.
Molecular consequence: nonsense.
Genome position (GRCh38, 1-based): chr8:76,983,861, A>T on the plus strand (T>A on the coding strand, the complement: PEX2 is on the minus strand). VCF-style: chr8-76983861-A-T. GRCh37 (hg19) VCF-style: chr8-77896097-A-T.
Other names: c.318T>A, p.Tyr106Ter (NM_001079867.2, NM_001172086.2, NM_001172087.2); short protein forms Y106*.
Identifiers: ClinVar variation 2772984 (VCV002772984.3), dbSNP rs2487452658, ClinGen allele CA371557606.

ClinVar aggregate classification (germline): Pathogenic (1 of 4 stars; one submission).

Conditions:
Peroxisome biogenesis disorder 5A (Zellweger) (PBD5A). Identifiers: Orphanet 912, MedGen C3553940, MONDO:0013932, OMIM 614866.

Submission:

Labcorp Genetics (formerly Invitae), Labcorp
Classification: Pathogenic for Peroxisome biogenesis disorder 5A (Zellweger). Last evaluated: 2023-10-30. Review status: criteria provided, single submitter. Criteria: Invitae Variant Classification Sherloc (09022015). Collection method: clinical testing. Allele origin: germline.
Comment: This sequence change creates a premature translational stop signal (p.Tyr106*) in the PEX2 gene. While this is not anticipated to result in nonsense mediated decay, it is expected to disrupt the last 200 amino acid(s) of the PEX2 protein. This variant is not present in population databases (gnomAD no frequency). This variant has not been reported in the literature in individuals affected with PEX2-related conditions. This variant disrupts a region of the PEX2 protein in which other variant(s) (p.Lys215Serfs*2) have been determined to be pathogenic (PMID: 10652207; Invitae). This suggests that this is a clinically significant region of the protein, and that variants that disrupt it are likely to be disease-causing. For these reasons, this variant has been classified as Pathogenic.

Literature cited by the submitters: PubMed 10652207.